The following is an entry in ClinVar:

ClinVar aggregate classification (germline): Uncertain significance. Review status: criteria provided, multiple submitters, no conflicts (2 of 4 stars). 2 submissions from 2 submitters: Uncertain significance (2). Last evaluated 2025-01-31.

Conditions:
Left-right axis malformations. Identifiers: MedGen C1866091.

gnomAD v4.1: 4 of 1,614,154 alleles (0.00025%); highest among the groups gnomAD compares: East Asian, 0.0089%; no homozygotes.

Submissions (2):

Ambry Genetics
Classification: Uncertain significance. Last evaluated: 2025-01-31. Review status: criteria provided, single submitter. Criteria: Ambry Variant Classification Scheme 2023. Collection method: clinical testing. Allele origin: germline.

Labcorp Genetics (formerly Invitae), Labcorp
Classification: Uncertain significance for Left-right axis malformations. Last evaluated: 2024-04-30. Review status: criteria provided, single submitter. Criteria: Invitae Variant Classification Sherloc (09022015). Collection method: clinical testing. Allele origin: germline.
Comment: This sequence change replaces proline, which is neutral and non-polar, with serine, which is neutral and polar, at codon 300 of the LEFTY2 protein (p.Pro300Ser). This variant is present in population databases (rs765196454, gnomAD 0.02%). This variant has not been reported in the literature in individuals affected with LEFTY2-related conditions. Advanced modeling of protein sequence and biophysical properties (such as structural, functional, and spatial information, amino acid conservation, physicochemical variation, residue mobility, and thermodynamic stability) performed at Invitae indicates that this missense variant is not expected to disrupt LEFTY2 protein function with a negative predictive value of 80%. In summary, the available evidence is currently insufficient to determine the role of this variant in disease. Therefore, it has been classified as a Variant of Uncertain Significance.

NM_003240.5(LEFTY2):c.898C>T (p.Pro300Ser)

Gene: LEFTY2 (left-right determination factor 2; minus strand). Cytogenetic location: 1q42.12.
Variant type: single nucleotide variant.
Coding change: c.898C>T on transcript NM_003240.5 (MANE Select); coding-DNA position 898, C replaced by T.
Protein change: p.Pro300Ser; replaces proline 300 with serine.
Molecular consequence: missense variant.
Genome position (GRCh38, 1-based): chr1:225,937,644, G>A on the plus strand (C>T on the coding strand, the complement: LEFTY2 is on the minus strand). VCF-style: chr1-225937644-G-A. GRCh37 (hg19) VCF-style: chr1-226125344-G-A.
Other names: c.898C>T (NM_003240.3); c.796C>T, p.Pro266Ser (NM_001172425.3); short protein forms P266S, P300S.
Identifiers: ClinVar variation 3621599 (VCV003621599.3).
Genomic context (GRCh38, chr1:225,937,644, plus strand): 5'-CCGAGGCGATACACTGTCGCGGCCCCAGAAATGGCCAATTGAAGGCCAGGGCCTCCGGGG[G>A]CTGCTGGCAGGTGCCCACACACTCGTAAGCCAGGAAGCCCGGGGGCTCCAGCACCCAGTT-3'
Protein context (NP_003231.2, residues 290-310): AYECVGTCQQ[Pro300Ser]PEALAFNWPF